The following is an entry in ClinVar:

ClinVar aggregate classification (germline): Uncertain significance. Review status: criteria provided, multiple submitters, no conflicts (2 of 4 stars). 2 submissions from 2 submitters: Uncertain significance (2). Last evaluated 2025-08-10.

Allele frequency attached by ClinVar (database versions not stated): ESP Exome Variant Server 0.00015; 1000 Genomes Project 30x 0.00016; 1000 Genomes Project 0.00020.
gnomAD v4.1: 54 of 1,614,152 alleles (0.0033%); highest among the groups gnomAD compares: African/African-American, 0.065%; no homozygotes.

Submissions (2):

GeneDx
Classification: Uncertain significance. Last evaluated: 2025-08-10. Review status: criteria provided, single submitter. Criteria: GeneDx Variant Classification Process June 2021. Collection method: clinical testing. Allele origin: germline. Affected: yes.
Comment: In silico analysis supports that this missense variant has a deleterious effect on protein structure/function; Has not been previously published as pathogenic or benign to our knowledge

Ambry Genetics
Classification: Uncertain significance. Last evaluated: 2023-02-06. Review status: criteria provided, single submitter. Criteria: Ambry Variant Classification Scheme 2023. Collection method: clinical testing. Allele origin: germline.

NM_173791.5(PDZD8):c.2884G>T (p.Asp962Tyr)

Gene: PDZD8 (PDZ domain containing 8; minus strand). Cytogenetic location: 10q25.3.
Variant type: single nucleotide variant.
Coding change: c.2884G>T on transcript NM_173791.5 (MANE Select); coding-DNA position 2884, G replaced by T.
Protein change: p.Asp962Tyr; replaces aspartic acid 962 with tyrosine.
Molecular consequence: missense variant.
Genome position (GRCh38, 1-based): chr10:117,283,849, C>A on the plus strand (G>T on the coding strand, the complement: PDZD8 is on the minus strand). VCF-style: chr10-117283849-C-A. GRCh37 (hg19) VCF-style: chr10-119043360-C-A.
Other names: c.2884G>T (NM_173791.4); short protein forms D962Y.
Identifiers: ClinVar variation 2460850 (VCV002460850.3), dbSNP rs151329411, ClinGen allele CA5710803.